The following is an entry in ClinVar:

ClinVar aggregate classification (germline): Benign/Likely benign. Review status: criteria provided, multiple submitters, no conflicts (2 of 4 stars). 14 submissions from 13 submitters: Benign (10); Likely benign (4). Last evaluated 2026-02-04.

Conditions:
Monogenic diabetes. Identifiers: Orphanet 183625, MedGen C3888631, MONDO:0015967.
Maturity-onset diabetes of the young (MODY). Also called: Maturity onset diabetes mellitus in young. Identifiers: Orphanet 552, MedGen C0342276, MONDO:0018911, HP:0004904.
Familial hyperinsulinism. Also called: Congenital hyperinsulinism. Identifiers: Orphanet 276525, MedGen C3888018, MONDO:0017182. Disease mechanism: loss of function.
Type 2 diabetes mellitus. Also called: Type II diabetes mellitus. Identifiers: MedGen C0011860, MeSH D003924, MONDO:0005148, OMIM 125853, HP:0005978.
Maturity-onset diabetes of the young type 1. Also called: MODY type 1; Diabetes mellitus MODY type 1; MODY HNF4A related; MILD JUVENILE DIABETES MELLITUS; HNF4A-Related Maturity-Onset Diabetes of the Young Type 1; MODY, type I. Identifiers: Orphanet 552, MedGen C1852093, MONDO:0007452, OMIM 125850. Disease mechanism: loss of function.

Allele frequency attached by ClinVar (database versions not stated): ESP Exome Variant Server 0.02376; 1000 Genomes Project 0.02396; TOPMed 0.02447; gnomAD 0.02469 and 0.02528; 1000 Genomes Project 30x 0.02530; gnomAD exomes 0.03007 and 0.03077; ExAC 0.03200.
gnomAD v4.1: 47,610 of 1,613,536 alleles (3%); highest among the groups gnomAD compares: Admixed American, 4.9%; 822 homozygotes.

Submissions (14):

Labcorp Genetics (formerly Invitae), Labcorp
Classification: Benign. Last evaluated: 2026-02-04. Review status: criteria provided, single submitter. Criteria: Invitae Variant Classification Sherloc (09022015). Collection method: clinical testing. Allele origin: germline.

Athena Diagnostics
Classification: Benign. Last evaluated: 2025-09-18. Review status: criteria provided, single submitter. Criteria: Athena Diagnostics Criteria. Collection method: clinical testing. Allele origin: unknown.
Comment: The frequency of this variant in the general population is higher than would generally be expected for pathogenic variants in this gene. Computational tools predict this amino acid change may be benign.

Blueprint Genetics
Classification: Benign. Last evaluated: 2024-11-27. Review status: criteria provided, single submitter. Criteria: ACMG Guidelines, 2015. Collection method: clinical testing. Allele origin: germline.

Mayo Clinic Laboratories, Mayo Clinic
Classification: Benign. Last evaluated: 2023-04-06. Review status: criteria provided, single submitter. Criteria: ACMG Guidelines, 2015. Collection method: clinical testing. Allele origin: germline. Observed: 9 variant alleles.
Comment: BS1, BS2

GeneDx
Classification: Benign. Last evaluated: 2019-04-23. Review status: criteria provided, single submitter. Criteria: GeneDx Variant Classification Process June 2021. Collection method: clinical testing. Allele origin: germline. Affected: yes.
Comment: This variant is associated with the following publications: (PMID: 26981542, 29632382, 12669197, 20878384, 22995991, 15728204, 24503134, 24097065, 20981092, 10983627, 27884173, 27346685, 28008009, 26551672, 26105150, 24448600, 30297969, 25361053, 26503572)

Personalized Diabetes Medicine Program, University of Maryland School of Medicine
Classification: Benign for Monogenic diabetes. Last evaluated: 2019-01-25. Review status: criteria provided, single submitter. Criteria: ACMG Guidelines, 2015. Collection method: research. Allele origin: unknown. Observed: 21 variant alleles, 20 heterozygotes, 1 homozygote.
Comment: ACMG criteria: BA1 (Overall MAF in gnomAD 3%, 4.1% in European Finnish and 4.6% Latino), BS2 (549 cases and 492 controls in T2DM)= Benign (Note: ClinVar=benign with 2 stars, Chicago and GeneDx call it benign . BP4 not being used because REVEL 0.426, BP6 no longer applied)

Illumina Laboratory Services, Illumina
Classification: Likely benign for Familial hyperinsulinism. Last evaluated: 2017-04-27. Review status: criteria provided, single submitter. Criteria: ICSL Variant Classification Criteria 13 December 2019. Collection method: clinical testing. Allele origin: germline.
Comment: This variant was observed as part of a predisposition screen in an ostensibly healthy population. A literature search was performed for the gene, cDNA change, and amino acid change (where applicable). No publications were found based on this search. Allele frequency data from public databases allowed determination this variant is unlikely to cause disease. Therefore, this variant is classified as likely benign.

Illumina Laboratory Services, Illumina
Classification: Likely benign for Maturity-onset diabetes of the young type 1. Last evaluated: 2017-04-27. Review status: criteria provided, single submitter. Criteria: ICSL Variant Classification Criteria 13 December 2019. Collection method: clinical testing. Allele origin: germline.
Comment: This variant was observed as part of a predisposition screen in an ostensibly healthy population. A literature search was performed for the gene, cDNA change, and amino acid change (where applicable). Publications were found based on this search. The evidence from the literature, in combination with allele frequency data from public databases where available, was sufficient to determine this variant is unlikely to cause disease. Therefore, this variant is classified as likely benign.

Laboratory for Molecular Medicine, Mass General Brigham Personalized Medicine
Classification: Likely benign. Last evaluated: 2016-03-28. Review status: criteria provided, single submitter. Criteria: LMM Criteria. Collection method: clinical testing. Allele origin: germline.
Comment: Variant identified in a genome or exome case(s) and assessed due to predicted null impact of the variant or pathogenic assertions in the literature or databases. Disclaimer: This variant has not undergone full assessment. The following are preliminary notes: Frequency in ESP (all): 309/13006=2.3%

Ambry Genetics
Classification: Benign for Maturity-onset diabetes of the young. Last evaluated: 2015-07-16. Review status: criteria provided, single submitter. Criteria: Ambry Variant Classification Scheme 2023. Collection method: clinical testing. Allele origin: germline.

Genetic Services Laboratory, University of Chicago
Classification: Benign for AllHighlyPenetrant. Last evaluated: 2013-03-05. Review status: criteria provided, single submitter. Criteria: ACMG Guidelines, 2007. Collection method: clinical testing. Allele origin: germline. Inheritance: Autosomal dominant inheritance.

Breakthrough Genomics
Classification: Likely benign. Review status: criteria provided, single submitter. Criteria: ACMG Guidelines, 2015. Collection method: not provided. Allele origin: germline. Inheritance: Autosomal dominant inheritance. Affected: yes.

Clinical Genomics, Uppaluri K&H Personalized Medicine Clinic
Classification: Benign for Type 2 diabetes mellitus. Review status: criteria provided, single submitter. Criteria: K&H Uppaluri Personalized Medicine Clinic Variant Classification & Assertion Criteria. Collection method: research. Allele origin: somatic. Affected: yes.
Comment: rs1800961, a loss-of-function mutation in HNF4A is associated with poor insulin secretion in response to hyperglycemia. These are associated with MODY1. Patients initially respond well to sulfonylureas but eventually become insulin dependent. This variant is also associated with increased risk of T2DM and periodontitis.

PreventionGenetics, part of Exact Sciences
Classification: Benign. Review status: criteria provided, single submitter. Criteria: ACMG Guidelines, 2015. Collection method: clinical testing. Allele origin: germline.

Literature cited by the submitters: PubMed 10983627 (cited by Athena Diagnostics and Illumina Laboratory Services, Illumina); PubMed 26670163 (cited by Athena Diagnostics); PubMed 26512799 (cited by Athena Diagnostics); PubMed 26740944 (cited by Athena Diagnostics); PubMed 25361053 (cited by Athena Diagnostics); PubMed 24448600 (cited by Athena Diagnostics); PubMed 32857684 (cited by Athena Diagnostics); PubMed 20878384 (cited by Athena Diagnostics and Mayo Clinic Laboratories, Mayo Clinic); PubMed 34805411 (cited by 3 submitters); PubMed 26981542 (cited by Athena Diagnostics and Clinical Genomics, Uppaluri K&H Personalized Medicine Clinic); PubMed 20981092 (cited by Athena Diagnostics); PubMed 27884173 (cited by Athena Diagnostics); PubMed 26669242 (cited by Athena Diagnostics); PubMed 22995991 (cited by Athena Diagnostics); PubMed 27346685 (cited by Athena Diagnostics); PubMed 28008009 (cited by Athena Diagnostics); PubMed 24097065 (cited by Athena Diagnostics); PubMed 26551672 (cited by Athena Diagnostics); PubMed 26105150 (cited by Athena Diagnostics); PubMed 24503134 (cited by Athena Diagnostics); PubMed 39563277 (cited by Athena Diagnostics); PubMed 30297969 (cited by Athena Diagnostics); PubMed 29632382 (cited by Athena Diagnostics); PubMed 26503572 (cited by Athena Diagnostics); PubMed 36220816 (cited by Athena Diagnostics); PubMed 10051618 (cited by Athena Diagnostics); PubMed 10447526 (cited by Athena Diagnostics); PubMed 12627330 (cited by Athena Diagnostics); PubMed 12669197 (cited by 3 submitters); PubMed 15728204 (cited by Athena Diagnostics and Mayo Clinic Laboratories, Mayo Clinic); PubMed 15928245 (cited by Athena Diagnostics); PubMed 16632067 (cited by Athena Diagnostics); PubMed 17894829 (cited by Athena Diagnostics); PubMed 18028455 (cited by Athena Diagnostics); PubMed 18811724 (cited by Athena Diagnostics); PubMed 7190851 (cited by Athena Diagnostics); PubMed 8945471 (cited by Athena Diagnostics); PubMed 9267996 (cited by Athena Diagnostics); PubMed 16946562 (cited by Illumina Laboratory Services, Illumina).

NM_175914.5(HNF4A):c.350C>T (p.Thr117Ile)

Gene: HNF4A (hepatocyte nuclear factor 4 alpha; plus strand). Cytogenetic location: 20q13.12.
Variant type: single nucleotide variant.
Coding change: c.350C>T on transcript NM_175914.5 (MANE Select); coding-DNA position 350, C replaced by T.
Protein change: p.Thr117Ile; replaces threonine 117 with isoleucine.
Molecular consequence: missense variant.
Genome position (GRCh38, 1-based): chr20:44,413,724, C>T. VCF-style: chr20-44413724-C-T. GRCh37 (hg19) VCF-style: chr20-43042364-C-T.
Other names: p.T139I:ACT>ATT; p.Thr117Ile; c.416C>T, p.Thr139Ile (NM_000457.6, NM_178849.3, NM_178850.3); c.350C>T, p.Thr117Ile (NM_001030003.3, NM_001030004.3); c.395C>T, p.Thr132Ile (NM_001258355.2); c.341C>T, p.Thr114Ile (NM_001287182.2, NM_001287183.2, NM_001287184.2); short protein forms T114I, T117I, T139I, T132I.
Identifiers: ClinVar variation 129240 (VCV000129240.32), dbSNP rs1800961, ClinGen allele CA153114.